The following is an entry in ClinVar:

ClinVar aggregate classification (germline): Uncertain significance. Review status: criteria provided, multiple submitters, no conflicts (2 of 4 stars). 2 submissions from 2 submitters: Uncertain significance (2). Last evaluated 2025-08-31.

Conditions:
Cardiovascular phenotype. Identifiers: MedGen CN230736.
Brugada syndrome. Also called: Sudden unexplained nocturnal death syndrome; Sudden unexpected nocturnal death syndrome; Sudden Unexplained Death Syndrome; Sudden Unexplained Nocturnal Death Syndrome (SUNDS). Identifiers: Orphanet 130, MedGen C1142166, MONDO:0015263.

Allele frequency attached by ClinVar (database versions not stated): gnomAD exomes 0.00001 and 0.00002; gnomAD 0.00001; TOPMed 0.00001; ExAC 0.00003.

Submissions (2):

Ambry Genetics
Classification: Uncertain significance for Cardiovascular phenotype. Last evaluated: 2025-08-31. Review status: criteria provided, single submitter. Criteria: Ambry Variant Classification Scheme 2023. Collection method: clinical testing. Allele origin: germline.
Comment: The p.S1650C variant (also known as c.4948A>T), located in coding exon 27 of the SCN10A gene, results from an A to T substitution at nucleotide position 4948. The serine at codon 1650 is replaced by cysteine, an amino acid with dissimilar properties. This amino acid position is highly conserved in available vertebrate species. In addition, this alteration is predicted to be deleterious by in silico analysis. Since supporting evidence is limited at this time, the clinical significance of this alteration remains unclear.

Labcorp Genetics (formerly Invitae), Labcorp
Classification: Uncertain significance for Brugada syndrome. Last evaluated: 2025-07-30. Review status: criteria provided, single submitter. Criteria: Invitae Variant Classification Sherloc (09022015). Collection method: clinical testing. Allele origin: germline.
Comment: This sequence change replaces serine, which is neutral and polar, with cysteine, which is neutral and slightly polar, at codon 1650 of the SCN10A protein (p.Ser1650Cys). This variant is present in population databases (rs780649338, gnomAD 0.003%). This variant has not been reported in the literature in individuals affected with SCN10A-related conditions. ClinVar contains an entry for this variant (Variation ID: 661810). Invitae Evidence Modeling of protein sequence and biophysical properties (such as structural, functional, and spatial information, amino acid conservation, physicochemical variation, residue mobility, and thermodynamic stability) indicates that this missense variant is expected to disrupt SCN10A protein function with a positive predictive value of 80%. In summary, the available evidence is currently insufficient to determine the role of this variant in disease. Therefore, it has been classified as a Variant of Uncertain Significance.

NM_006514.4(SCN10A):c.4948A>T (p.Ser1650Cys)

Gene: SCN10A (sodium voltage-gated channel alpha subunit 10; minus strand). Cytogenetic location: 3p22.2.
Variant type: single nucleotide variant.
Coding change: c.4948A>T on transcript NM_006514.4 (MANE Select); coding-DNA position 4948, A replaced by T.
Protein change: p.Ser1650Cys; replaces serine 1650 with cysteine.
Molecular consequence: missense variant.
Genome position (GRCh38, 1-based): chr3:38,698,272, T>A on the plus strand (A>T on the coding strand, the complement: SCN10A is on the minus strand). VCF-style: chr3-38698272-T-A. GRCh37 (hg19) VCF-style: chr3-38739763-T-A.
Other names: c.4945A>T, p.Ser1649Cys (NM_001293306.2); c.4654A>T, p.Ser1552Cys (NM_001293307.2); short protein forms S1552C, S1649C, S1650C.
Identifiers: ClinVar variation 661810 (VCV000661810.8), dbSNP rs780649338, ClinGen allele CA2319774.